The following is an entry in ClinVar:

NM_012452.3(TNFRSF13B):c.631G>A (p.Asp211Asn)

Gene: TNFRSF13B (TNF receptor superfamily member 13B; minus strand). Cytogenetic location: 17p11.2.
Variant type: single nucleotide variant.
Coding change: c.631G>A on transcript NM_012452.3 (MANE Select); coding-DNA position 631, G replaced by A.
Protein change: p.Asp211Asn; replaces aspartic acid 211 with asparagine.
Molecular consequence: missense variant.
Genome position (GRCh38, 1-based): chr17:16,940,326, C>T on the plus strand (G>A on the coding strand, the complement: TNFRSF13B is on the minus strand). VCF-style: chr17-16940326-C-T. GRCh37 (hg19) VCF-style: chr17-16843640-C-T.
Other names: short protein forms D211N.
Identifiers: ClinVar variation 2123366 (VCV002123366.5), dbSNP rs955888263, ClinGen allele CA288282800.
Genomic context (GRCh38, chr17:16,940,326, plus strand): 5'-GGCCCGAGGCTTGTCACCCAAGCAGCGAGAAGGGCGAGGACCCCAGTTTCATGCACTCAC[C>T]CTGGGAAGACTTGGCCGGACTTTGACGGGGCCTTGAGCGGGGCTGGCAGGAGCAGGGATC-3'
Protein context (NP_036584.1, residues 201-221): PRQSPAKSSQ[Asp211Asn]HAMEAGSPVS

ClinVar aggregate classification (germline): Uncertain significance. Review status: criteria provided, multiple submitters, no conflicts (2 of 4 stars). 2 submissions from 2 submitters: Uncertain significance (2). Last evaluated 2024-07-08.

Conditions:
Immunodeficiency, common variable, 2 (CVID2). Also called: ANTIBODY DEFICIENCY DUE TO TACI DEFECT; HYPOGAMMAGLOBULINEMIA DUE TO TACI DEFICIENCY. Identifiers: Orphanet 1572, MedGen C3150354, MONDO:0009413, OMIM 240500.

Allele frequency attached by ClinVar (database versions not stated): TOPMed below 0.00001.
gnomAD v4.1: 3 of 1,613,156 alleles (0.00019%); no homozygotes.

Submissions (2):

Labcorp Genetics (formerly Invitae), Labcorp
Classification: Uncertain significance for Immunodeficiency, common variable, 2. Last evaluated: 2024-07-08. Review status: criteria provided, single submitter. Criteria: Invitae Variant Classification Sherloc (09022015). Collection method: clinical testing. Allele origin: germline.
Comment: This sequence change replaces aspartic acid, which is acidic and polar, with asparagine, which is neutral and polar, at codon 211 of the TNFRSF13B protein (p.Asp211Asn). This variant also falls at the last nucleotide of exon 4, which is part of the consensus splice site for this exon. This variant is present in population databases (no rsID available, gnomAD 0.02%). This variant has not been reported in the literature in individuals affected with TNFRSF13B-related conditions. ClinVar contains an entry for this variant (Variation ID: 2123366). An algorithm developed to predict the effect of missense changes on protein structure and function (PolyPhen-2) suggests that this variant is likely to be tolerated. Variants that disrupt the consensus splice site are a relatively common cause of aberrant splicing (PMID: 17576681, 9536098). In summary, the available evidence is currently insufficient to determine the role of this variant in disease. Therefore, it has been classified as a Variant of Uncertain Significance.

Blueprint Genetics
Classification: Uncertain significance. Last evaluated: 2023-03-24. Review status: criteria provided, single submitter. Criteria: ACMG Guidelines, 2015. Collection method: clinical testing. Allele origin: germline.

Literature cited by the submitters: PubMed 17576681 (cited by Labcorp Genetics (formerly Invitae), Labcorp); PubMed 9536098 (cited by Labcorp Genetics (formerly Invitae), Labcorp).